The following is an entry in ClinVar:

NM_004260.4(RECQL4):c.2463+4G>A

Gene: RECQL4 (RecQ like helicase 4; minus strand). Cytogenetic location: 8q24.3.
Variant type: single nucleotide variant.
Coding change: c.2463+4G>A on transcript NM_004260.4 (MANE Select); 4 bases into the intron after coding-DNA position 2463, G replaced by A.
Molecular consequence: intron variant.
Genome position (GRCh38, 1-based): chr8:144,513,214, C>T on the plus strand (G>A on the coding strand, the complement: RECQL4 is on the minus strand). VCF-style: chr8-144513214-C-T. GRCh37 (hg19) VCF-style: chr8-145738597-C-T.
Identifiers: ClinVar variation 838973 (VCV000838973.5), dbSNP rs1449275619, ClinGen allele CA586165234.

ClinVar aggregate classification (germline): Uncertain significance (1 of 4 stars; one submission).

Conditions:
Baller-Gerold syndrome (BGS). Also called: CRANIOSYNOSTOSIS WITH RADIAL DEFECTS. Identifiers: Orphanet 1225, MedGen C0265308, MONDO:0009039, OMIM 218600.

Allele frequency attached by ClinVar (database versions not stated): gnomAD exomes 0.00001; TOPMed 0.00001; gnomAD 0.00002.
gnomAD v4.1: 14 of 1,566,142 alleles (0.00089%); highest among the groups gnomAD compares: African/African-American, 0.0014%; no homozygotes.

Submission:

Labcorp Genetics (formerly Invitae), Labcorp
Classification: Uncertain significance for Baller-Gerold syndrome. Last evaluated: 2023-09-11. Review status: criteria provided, single submitter. Criteria: Invitae Variant Classification Sherloc (09022015). Collection method: clinical testing. Allele origin: germline.
Comment: This sequence change falls in intron 14 of the RECQL4 gene. It does not directly change the encoded amino acid sequence of the RECQL4 protein. It affects a nucleotide within the consensus splice site. The frequency data for this variant in the population databases is considered unreliable, as metrics indicate poor data quality at this position in the gnomAD database. This variant has not been reported in the literature in individuals affected with RECQL4-related conditions. ClinVar contains an entry for this variant (Variation ID: 838973). Variants that disrupt the consensus splice site are a relatively common cause of aberrant splicing (PMID: 17576681, 9536098). Algorithms developed to predict the effect of sequence changes on RNA splicing suggest that this variant is not likely to affect RNA splicing. In summary, the available evidence is currently insufficient to determine the role of this variant in disease. Therefore, it has been classified as a Variant of Uncertain Significance.

Literature cited by the submitters: PubMed 17576681; PubMed 9536098.